The following is an entry in ClinVar:

NM_002834.5(PTPN11):c.1713-5T>A

Gene: PTPN11 (protein tyrosine phosphatase non-receptor type 11; plus strand). Cytogenetic location: 12q24.13.
Variant type: single nucleotide variant.
Coding change: c.1713-5T>A on transcript NM_002834.5 (MANE Select); 5 bases into the intron before coding-DNA position 1713, T replaced by A.
Molecular consequence: intron variant.
Genome position (GRCh38, 1-based): chr12:112,504,690, T>A. VCF-style: chr12-112504690-T-A. GRCh37 (hg19) VCF-style: chr12-112942494-T-A.
Other names: c.1725-5T>A (NM_001330437.2); c.1710-5T>A (NM_001374625.1).
Identifiers: ClinVar variation 229173 (VCV000229173.12), dbSNP rs876657964, ClinGen allele CA10576909.

ClinVar aggregate classification (germline): Conflicting classifications of pathogenicity. Review status: criteria provided, conflicting classifications (1 of 4 stars). 2 submissions from 2 submitters: Uncertain significance (1); Likely benign (1). Last evaluated 2024-09-21.

Conditions:
RASopathy. Also called: rasopathies; Noonan spectrum disorder. Identifiers: Orphanet 536391, MedGen C5555857, MONDO:0021060.

Allele frequency attached by ClinVar (database versions not stated): gnomAD 0.00001; TOPMed 0.00002.
gnomAD v4.1: 3 of 1,562,832 alleles (0.00019%); highest among the groups gnomAD compares: African/African-American, 0.0041%; no homozygotes.

Submissions (2):

Labcorp Genetics (formerly Invitae), Labcorp
Classification: Likely benign for RASopathy. Last evaluated: 2024-09-21. Review status: criteria provided, single submitter. Criteria: Invitae Variant Classification Sherloc (09022015). Collection method: clinical testing. Allele origin: germline.

Laboratory for Molecular Medicine, Mass General Brigham Personalized Medicine
Classification: Uncertain significance. Last evaluated: 2015-05-20. Review status: criteria provided, single submitter. Criteria: LMM Criteria. Collection method: clinical testing. Allele origin: germline. Observed: 1 variant allele.
Comment: The c.1713-5T>A variant in PTPN11 has not been reported in individuals with card iomyopathy or in large population studies. This variant is located in the 3' spl ice region and computational tools do not suggest an impact to splicing. However , this information is not predictive enough to rule out pathogenicity. In summar y, the clinical significance of the c.1713-5T>A variant is uncertain.